The following is an entry in ClinVar:

ClinVar aggregate classification (germline): Conflicting classifications of pathogenicity. Review status: criteria provided, conflicting classifications (1 of 4 stars). 2 submissions from 2 submitters: Pathogenic (1); Uncertain significance (1). Last evaluated 2025-04-30.

Conditions:
Orofaciodigital syndrome I (OFD1). Also called: Papillon-Leage and Psaume Syndrome; OFDS I; Oral-Facial-Digital Syndrome Type I. Identifiers: Orphanet 2750, MedGen C1510460, MONDO:0010702, OMIM 311200.

Submissions (2):

Victorian Clinical Genetics Services, Murdoch Childrens Research Institute
Classification: Pathogenic for Orofaciodigital syndrome I. Last evaluated: 2025-04-30. Review status: criteria provided, single submitter. Criteria: ACMG Guidelines, 2015. Collection method: clinical testing. Allele origin: germline. Affected: yes.
Comment: This variant is classified as Pathogenic. Evidence in support of pathogenic classification: Splice site variant proven to affect splicing of the transcript with a known effect on protein sequence. This variant causes activation of a pseudoexon that encodes a premature termination codon, r.412_413ins[412+1057_412+1181]; p.Gly138Alafs*7, and is predicted to cause nonsense-mediated decay (NMD) and loss of protein (Splicing Diagnostics, Kids Neuroscience Centre, NSW, Australia); Variant is absent from gnomAD (v2, v3 and v4); Other NMD-predicted variant(s) comparable to the one identified in this case have very strong previous evidence for pathogenicity (DECIPHER); Very strong and specific phenotype match for this individual; Additional information: This variant is heterozygous; This gene is associated with X-linked disease. Most conditions associated with this gene are X-linked recessive; however, orofaciodigital syndrome I (MIM#311200) is X-linked dominant; This variant has no previous evidence of pathogenicity; No published segregation evidence has been identified for this variant; Loss of function is a known mechanism of disease in this gene and is associated with OFD1-related conditions (OMIM); Variants in this gene are known to have variable expressivity. The same variants have been associated with several OFD1-related conditions and are known to have intrafamilial and interfamilial variability (PMID: 31373179, 23033313).

Blueprint Genetics
Classification: Uncertain significance. Last evaluated: 2021-11-30. Review status: criteria provided, single submitter. Criteria: ACMG Guidelines, 2015. Collection method: clinical testing. Allele origin: germline.

Literature cited by the submitters: PubMed 23033313 (cited by Victorian Clinical Genetics Services, Murdoch Childrens Research Institute); PubMed 31373179 (cited by Victorian Clinical Genetics Services, Murdoch Childrens Research Institute).

NM_003611.3(OFD1):c.412+1186A>G

Gene: OFD1 (OFD1 centriole and centriolar satellite protein; plus strand). Cytogenetic location: Xp22.2.
Variant type: single nucleotide variant.
Coding change: c.412+1186A>G on transcript NM_003611.3 (MANE Select); 1186 bases into the intron after coding-DNA position 412, A replaced by G.
Molecular consequence: intron variant.
Genome position (GRCh38, 1-based): chrX:13,740,218, A>G. VCF-style: chrX-13740218-A-G. GRCh37 (hg19) VCF-style: chrX-13758337-A-G.
Other names: c.-9+5A>G (NM_001330210.2); c.412+1186A>G (NM_001440947.1, NM_001330209.2, NM_001440948.1).
Identifiers: ClinVar variation 4532159 (VCV004532159.2).